The following is an entry in ClinVar:

ClinVar aggregate classification (germline): Benign. Review status: criteria provided, multiple submitters, no conflicts (2 of 4 stars). 2 submissions from 2 submitters: Benign (2). Last evaluated 2018-06-16.

Allele frequency attached by ClinVar (database versions not stated): gnomAD exomes 0.17847; 1000 Genomes Project 0.22863; 1000 Genomes Project 30x 0.23673; gnomAD 0.27510 and 0.28871; TOPMed 0.28094.

Submissions (2):

GeneDx
Classification: Benign. Last evaluated: 2018-06-16. Review status: criteria provided, single submitter. Criteria: GeneDx Variant Classification (06012015). Collection method: clinical testing. Allele origin: germline. Affected: yes.
Comment: This variant is considered likely benign or benign based on one or more of the following criteria: it is a conservative change, it occurs at a poorly conserved position in the protein, it is predicted to be benign by multiple in silico algorithms, and/or has population frequency not consistent with disease.

Breakthrough Genomics
Classification: Benign. Review status: criteria provided, single submitter. Criteria: ACMG Guidelines, 2015. Collection method: not provided. Allele origin: germline. Inheritance: Unknown mechanism. Affected: yes.

NM_018006.5(TRMU):c.1101+111G>C

Gene: TRMU (tRNA mitochondrial 2-thiouridylase; plus strand). Cytogenetic location: 22q13.31.
Variant type: single nucleotide variant.
Coding change: c.1101+111G>C on transcript NM_018006.5 (MANE Select); 111 bases into the intron after coding-DNA position 1101, G replaced by C.
Molecular consequence: intron variant.
Genome position (GRCh38, 1-based): chr22:46,356,183, G>C. VCF-style: chr22-46356183-G-C. GRCh37 (hg19) VCF-style: chr22-46752080-G-C.
Other names: c.1018+595G>C (NM_001282785.2); c.759+111G>C (NM_001282782.2); c.681+111G>C (NM_001282783.2); c.598+595G>C (NM_001282784.2).
Identifiers: ClinVar variation 676432 (VCV000676432.2), dbSNP rs8135519, ClinGen allele CA14944449.
Genomic context (GRCh38, chr22:46,356,183, plus strand): 5'-CTGCCAGGGCACCCGGGTTACAGAGGAAGGGGCTGAGGCCCAGGAGTAGGGTGTGCTCGG[G>C]TCACACAGCTGGTGAGGGCAGAGTGCCACCAGCCCTGCCCTGGGGGCTCCTCCCACAGTG-3'